The following is an entry in ClinVar:

NM_024675.4(PALB2):c.1568C>T (p.Ala523Val)

Gene: PALB2 (partner and localizer of BRCA2; minus strand). Cytogenetic location: 16p12.2.
Variant type: single nucleotide variant.
Coding change: c.1568C>T on transcript NM_024675.4 (MANE Select); coding-DNA position 1568, C replaced by T.
Protein change: p.Ala523Val; replaces alanine 523 with valine.
Molecular consequence: missense variant. On other transcripts: intron variant (3).
Genome position (GRCh38, 1-based): chr16:23,634,978, G>A on the plus strand (C>T on the coding strand, the complement: PALB2 is on the minus strand). VCF-style: chr16-23634978-G-A. GRCh37 (hg19) VCF-style: chr16-23646299-G-A.
Other names: c.1508C>T, p.Ala503Val (NM_001407296.1); c.1568C>T, p.Ala523Val (NM_001407297.1, NM_001407298.1, NM_001407299.1 and 3 more transcripts); c.683C>T, p.Ala228Val (NM_001407304.1, NM_001407305.1, NM_001407306.1 and 5 more transcripts); c.49-5703C>T (NM_001407314.1); c.-104-4509C>T (NM_001407313.1, NM_001407312.1); short protein forms A228V, A503V, A523V.
Identifiers: ClinVar variation 2567583 (VCV002567583.2), dbSNP rs1966956742, ClinGen allele CA395130716.

ClinVar aggregate classification (germline): Uncertain significance. Review status: criteria provided, multiple submitters, no conflicts (2 of 4 stars). 2 submissions from 2 submitters: Uncertain significance (2). Last evaluated 2023-10-17.

Conditions:
Hereditary cancer-predisposing syndrome. Also called: Hereditary neoplastic syndrome; Hereditary Cancer Syndrome; Neoplastic Syndromes, Hereditary; Tumor predisposition. Identifiers: Orphanet 140162, MedGen C0027672, MeSH D009386, MONDO:0015356.

Allele frequency attached by ClinVar (database versions not stated): gnomAD exomes below 0.00001.
gnomAD v4.1: 1 of 1,614,190 alleles (0.000062%); highest among the groups gnomAD compares: Non-Finnish European, 0.000085%; no homozygotes.

Submissions (2):

GeneDx
Classification: Uncertain significance. Last evaluated: 2023-10-17. Review status: criteria provided, single submitter. Criteria: GeneDx Variant Classification Process June 2021. Collection method: clinical testing. Allele origin: germline. Affected: yes.
Comment: Not observed at significant frequency in large population cohorts (gnomAD); In silico analysis supports that this missense variant does not alter protein structure/function; Has not been previously published as pathogenic or benign to our knowledge

Ambry Genetics
Classification: Uncertain significance for Hereditary cancer-predisposing syndrome. Last evaluated: 2023-05-16. Review status: criteria provided, single submitter. Criteria: Ambry General Variant Classification Scheme_2022. Collection method: clinical testing. Allele origin: germline.
Comment: The p.A523V variant (also known as c.1568C>T), located in coding exon 4 of the PALB2 gene, results from a C to T substitution at nucleotide position 1568. The alanine at codon 523 is replaced by valine, an amino acid with similar properties. This amino acid position is poorly conserved in available vertebrate species. In addition, this alteration is predicted to be tolerated by in silico analysis. Since supporting evidence is limited at this time, the clinical significance of this alteration remains unclear.